The following is an entry in ClinVar:

ClinVar aggregate classification (germline): Uncertain significance (1 of 4 stars; one submission).

Submission:

GeneDx
Classification: Uncertain significance. Last evaluated: 2024-11-15. Review status: criteria provided, single submitter. Criteria: GeneDx Variant Classification Process June 2021. Collection method: clinical testing. Allele origin: germline. Affected: yes.
Comment: Not observed at significant frequency in large population cohorts (gnomAD); In silico analysis supports that this missense variant has a deleterious effect on protein structure/function; Has not been previously published as pathogenic or benign to our knowledge

NM_001244008.2(KIF1A):c.1076T>C (p.Val359Ala)

Gene: KIF1A (kinesin family member 1A; minus strand). Cytogenetic location: 2q37.3.
Variant type: single nucleotide variant.
Coding change: c.1076T>C on transcript NM_001244008.2 (MANE Select); coding-DNA position 1076, T replaced by C.
Protein change: p.Val359Ala; replaces valine 359 with alanine.
Molecular consequence: missense variant.
Genome position (GRCh38, 1-based): chr2:240,773,218, A>G on the plus strand (T>C on the coding strand, the complement: KIF1A is on the minus strand). VCF-style: chr2-240773218-A-G. GRCh37 (hg19) VCF-style: chr2-241712635-A-G.
Other names: c.1076T>C, p.Val359Ala (NM_001320705.2, NM_001330289.2, NM_001330290.2 and 20 more transcripts); short protein forms V359A.
Identifiers: ClinVar variation 3899741 (VCV003899741.1).